The following is an entry in ClinVar:

NM_005604.4(POU3F2):c.228C>T (p.Gly76=)

Gene: POU3F2 (POU class 3 homeobox 2; plus strand). Cytogenetic location: 6q16.1.
Variant type: single nucleotide variant.
Coding change: c.228C>T on transcript NM_005604.4 (MANE Select); coding-DNA position 228, C replaced by T.
Protein change: p.Gly76=; no amino-acid change (glycine 76 retained).
Molecular consequence: synonymous variant.
Genome position (GRCh38, 1-based): chr6:98,835,101, C>T. VCF-style: chr6-98835101-C-T. GRCh37 (hg19) VCF-style: chr6-99282977-C-T.
Identifiers: ClinVar variation 4874590 (VCV004874590.2).

ClinVar aggregate classification (germline): Likely benign (1 of 4 stars; one submission).

Submission:

CeGaT Center for Human Genetics Tuebingen
Classification: Likely benign. Last evaluated: 2026-04-01. Review status: criteria provided, single submitter. Criteria: CeGaT Center For Human Genetics Tuebingen Variant Classification Criteria Version 2. Collection method: clinical testing. Allele origin: germline. Affected: yes. Observed: 1 variant allele.
Comment: POU3F2: PM2:Supporting, BP4, BP7